The following is an entry in ClinVar:

NM_001376.5(DYNC1H1):c.7072C>T (p.Arg2358Cys)

Gene: DYNC1H1 (dynein cytoplasmic 1 heavy chain 1; plus strand). Cytogenetic location: 14q32.31.
Variant type: single nucleotide variant.
Coding change: c.7072C>T on transcript NM_001376.5 (MANE Select); coding-DNA position 7072, C replaced by T.
Protein change: p.Arg2358Cys; replaces arginine 2358 with cysteine.
Molecular consequence: missense variant.
Genome position (GRCh38, 1-based): chr14:102,015,162, C>T. VCF-style: chr14-102015162-C-T. GRCh37 (hg19) VCF-style: chr14-102481499-C-T.
Other names: short protein forms R2358C.
Identifiers: ClinVar variation 245963 (VCV000245963.10), dbSNP rs879254019, ClinGen allele CA10584466.

ClinVar aggregate classification (germline): Conflicting classifications of pathogenicity. Review status: criteria provided, conflicting classifications (1 of 4 stars). 4 submissions from 4 submitters: Likely pathogenic (1); Uncertain significance (3). Last evaluated 2025-02-07.

Conditions:
Inborn genetic diseases. Identifiers: MedGen C0950123, MeSH D030342.
Charcot-Marie-Tooth disease axonal type 2O. Also called: Charcot-Marie-Tooth disease, axonal, type 20; Charcot-Marie-Tooth Neuropathy Type 2O; CHARCOT-MARIE-TOOTH NEUROPATHY, AXONAL, TYPE 2O; CHARCOT-MARIE-TOOTH DISEASE, AXONAL, AUTOSOMAL DOMINANT, TYPE 2O. Identifiers: Orphanet 284232, MedGen C3280220, MONDO:0013644, OMIM 614228.

Allele frequency attached by ClinVar (database versions not stated): gnomAD exomes below 0.00001.
gnomAD v4.1: 1 of 1,614,204 alleles (0.000062%); highest among the groups gnomAD compares: Non-Finnish European, 0.000085%; no homozygotes.

Submissions (4):

GeneDx
Classification: Likely pathogenic. Last evaluated: 2025-02-07. Review status: criteria provided, single submitter. Criteria: GeneDx Variant Classification Process June 2021. Collection method: clinical testing. Allele origin: germline. Affected: yes.
Comment: Not observed at significant frequency in large population cohorts (gnomAD); In silico analysis supports that this missense variant has a deleterious effect on protein structure/function; This variant is associated with the following publications: (PMID: 33057194, 25512093, 25609763, 26100331, 35982159)

Women's Health and Genetics/Laboratory Corporation of America, LabCorp
Classification: Uncertain significance. Last evaluated: 2023-02-14. Review status: criteria provided, single submitter. Criteria: LabCorp Variant Classification Summary - May 2015. Collection method: clinical testing. Allele origin: germline.
Comment: Variant summary: DYNC1H1 c.7072C>T (p.Arg2358Cys) results in a non-conservative amino acid change located in the AAA+ ATPase domain of the encoded protein sequence. Four of four in-silico tools predict a damaging effect of the variant on protein function. The variant was absent in 251478 control chromosomes. The available data on variant occurrences in the general population are insufficient to allow any conclusion about variant significance. To our knowledge, no occurrence of c.7072C>T in individuals affected with DYNC1H1-Related Disorders and no experimental evidence demonstrating its impact on protein function have been reported. Three clinical diagnostic laboratories have submitted clinical-significance assessments for this variant to ClinVar after 2014 without evidence for independent evaluation. Based on the evidence outlined above, the variant was classified as uncertain significance.

Labcorp Genetics (formerly Invitae), Labcorp
Classification: Uncertain significance for Charcot-Marie-Tooth disease axonal type 2O. Last evaluated: 2022-08-23. Review status: criteria provided, single submitter. Criteria: Invitae Variant Classification Sherloc (09022015). Collection method: clinical testing. Allele origin: germline.
Comment: In summary, the available evidence is currently insufficient to determine the role of this variant in disease. Therefore, it has been classified as a Variant of Uncertain Significance. Algorithms developed to predict the effect of missense changes on protein structure and function are either unavailable or do not agree on the potential impact of this missense change (SIFT: "Deleterious"; PolyPhen-2: "Probably Damaging"; Align-GVGD: "Class C0"). ClinVar contains an entry for this variant (Variation ID: 245963). This variant has not been reported in the literature in individuals affected with DYNC1H1-related conditions. This variant is not present in population databases (gnomAD no frequency). This sequence change replaces arginine, which is basic and polar, with cysteine, which is neutral and slightly polar, at codon 2358 of the DYNC1H1 protein (p.Arg2358Cys).

Ambry Genetics
Classification: Uncertain significance for Inborn genetic diseases. Last evaluated: 2019-10-07. Review status: criteria provided, single submitter. Criteria: Ambry Variant Classification Scheme 2023. Collection method: clinical testing. Allele origin: germline.
Comment: The p.R2358C variant (also known as c.7072C>T), located in coding exon 35 of the DYNC1H1 gene, results from a C to T substitution at nucleotide position 7072. The arginine at codon 2358 is replaced by cysteine, an amino acid with highly dissimilar properties. This amino acid position is highly conserved in available vertebrate species. In addition, this alteration is predicted to be deleterious by in silico analysis. Since supporting evidence is limited at this time, the clinical significance of this alteration remains unclear.